The following is an entry in ClinVar:

ClinVar aggregate classification (germline): Conflicting classifications of pathogenicity. Review status: criteria provided, conflicting classifications (1 of 4 stars). 9 submissions from 9 submitters: Uncertain significance (5); Likely benign (2). 2 of the submissions do not count toward it. Last evaluated 2026-01-27.

Conditions:
Autosomal recessive osteopetrosis 1. Also called: TCIRG1-Related Osteopetrosis; TCIRG1-Related Autosomal Recessive Osteopetrosis; ALBERS-SCHONBERG DISEASE, AUTOSOMAL RECESSIVE. Identifiers: Orphanet 667, MedGen C1850127, MONDO:0009815, OMIM 259700.

Allele frequency attached by ClinVar (database versions not stated): 1000 Genomes Project 0.00020; 1000 Genomes Project 30x 0.00031; ESP Exome Variant Server 0.00054; TOPMed 0.00107; gnomAD exomes 0.00125; ExAC 0.00134; gnomAD 0.00156 and 0.00162.

Submissions (12):

Labcorp Genetics (formerly Invitae), Labcorp
Classification: Likely benign. Last evaluated: 2026-01-27. Review status: criteria provided, single submitter. Criteria: Invitae Variant Classification Sherloc (09022015). Collection method: clinical testing. Allele origin: germline.

Blueprint Genetics
Classification: Likely benign. Last evaluated: 2024-11-21. Review status: criteria provided, single submitter. Criteria: ACMG Guidelines, 2015. Collection method: clinical testing. Allele origin: germline.

CeGaT Center for Human Genetics Tuebingen
Classification: Uncertain significance. Last evaluated: 2024-05-01. Review status: criteria provided, single submitter. Criteria: CeGaT Center For Human Genetics Tuebingen Variant Classification Criteria Version 2. Collection method: clinical testing. Allele origin: germline. Affected: yes. Observed: 4 variant alleles.
Comment: TCIRG1: PM2:Supporting, PP3

GeneDx
Classification: Uncertain significance. Last evaluated: 2023-03-27. Review status: criteria provided, single submitter. Criteria: GeneDx Variant Classification Process June 2021. Collection method: clinical testing. Allele origin: germline. Affected: yes.
Comment: In silico analysis supports a deleterious effect on splicing; Has not been previously published as pathogenic or benign to our knowledge

Fulgent Genetics
Classification: Uncertain significance for Autosomal recessive osteopetrosis 1. Last evaluated: 2018-10-31. Review status: criteria provided, single submitter. Criteria: ACMG Guidelines, 2015. Collection method: clinical testing. Allele origin: unknown.

Illumina Laboratory Services, Illumina
Classification: Uncertain significance for Autosomal recessive osteopetrosis 1. Last evaluated: 2018-01-13. Review status: criteria provided, single submitter. Criteria: ICSL Variant Classification Criteria 13 December 2019. Collection method: clinical testing. Allele origin: germline.

Eurofins Ntd Llc (ga)
Classification: Uncertain significance. Last evaluated: 2015-10-22. Review status: criteria provided, single submitter. Criteria: EGL Classification Definitions 2015. Collection method: clinical testing. Allele origin: germline. Observed: 1 variant allele, 1 heterozygote.

Natera, Inc.
Classification: Uncertain significance for Infantile malignant osteopetrosis. Last evaluated: 2020-04-15. Review status: no assertion criteria provided. Collection method: clinical testing. Allele origin: germline. Not counted in ClinVar's aggregate classification.

Department of Pathology and Laboratory Medicine, Sinai Health System
Classification: Uncertain significance. Review status: no assertion criteria provided. Collection method: clinical testing. Allele origin: unknown. Affected: yes. Study: The Canadian Open Genetics Repository (COGR). Not counted in ClinVar's aggregate classification.
Comment: The TCIRG1 p.Gly30Gly variant was not identified in the literature but was identified in dbSNP (ID: rs141859450) and ClinVar (classified as uncertain significance by EGL Genetics, Fulgent Genetics and Illumina). The variant was identified in control databases in 398 of 280570 chromosomes at a frequency of 0.001419 increasing the likelihood this could be a low frequency benign variant (Genome Aggregation Database March 6, 2019, v2.1.1). The variant was observed in the following populations: European (non-Finnish) in 328 of 127460 chromosomes (freq: 0.002573), Other in 17 of 7166 chromosomes (freq: 0.002372), European (Finnish) in 31 of 24938 chromosomes (freq: 0.001243), Latino in 17 of 35400 chromosomes (freq: 0.00048), African in 3 of 24796 chromosomes (freq: 0.000121), Ashkenazi Jewish in 1 of 10290 chromosomes (freq: 0.000097) and South Asian in 1 of 30596 chromosomes (freq: 0.000033), but was not observed in the East Asian population. The p.Gly30Gly variant is not expected to have clinical significance because it does not result in a change of amino acid and is not located in a known consensus splice site. However, 4 of 4 in silico or computational prediction software programs (SpliceSiteFinder, MaxEntScan, NNSPLICE, GeneSplicer) predict a greater than 10% difference in splicing. However, this has not been confirmed by RNA analysis and is not predictive enough to assume pathogenicity. In summary, based on the above information the clinical significance of this variant cannot be determined with certainty at this time. This variant is classified as a variant of uncertain significance.

Dr. Peter K. Rogan Lab, Western University
No classification provided (evidence only). Condition: Papillary renal cell carcinoma type 1. Review status: no classification provided. Collection method: in vitro. Allele origin: not applicable. Functional consequence: retained intron. Not counted in ClinVar's aggregate classification.

Dr. Peter K. Rogan Lab, Western University
No classification provided (evidence only). Condition: Gastric cancer. Review status: no classification provided. Collection method: in vitro. Allele origin: not applicable. Functional consequence: retained intron. Not counted in ClinVar's aggregate classification.

Dr. Peter K. Rogan Lab, Western University
No classification provided (evidence only). Condition: Malignant tumor of esophagus. Review status: no classification provided. Collection method: in vitro. Allele origin: not applicable. Functional consequence: retained intron. Not counted in ClinVar's aggregate classification.

NM_006019.4(TCIRG1):c.90C>T (p.Gly30=)

Gene: TCIRG1 (T cell immune regulator 1, ATPase H+ transporting V0 subunit a3; plus strand). Cytogenetic location: 11q13.2.
Variant type: single nucleotide variant.
Coding change: c.90C>T on transcript NM_006019.4 (MANE Select); coding-DNA position 90, C replaced by T.
Protein change: p.Gly30=; no amino-acid change (glycine 30 retained).
Molecular consequence: synonymous variant. On other transcripts: 5 prime UTR variant (1).
Genome position (GRCh38, 1-based): chr11:68,041,361, C>T. VCF-style: chr11-68041361-C-T. GRCh37 (hg19) VCF-style: chr11-67808828-C-T.
Other names: c.-1160C>T (NM_001351059.2).
Identifiers: ClinVar variation 284040 (VCV000284040.57), dbSNP rs141859450, ClinGen allele CA6146633.